The following is an entry in ClinVar:

ClinVar aggregate classification (germline): Uncertain significance. Review status: criteria provided, multiple submitters, no conflicts (2 of 4 stars). 4 submissions from 4 submitters: Uncertain significance (4). Last evaluated 2025-11-12.

Conditions:
X-linked intellectual disability, Cantagrel type (XLID98). Also called: INTELLECTUAL DEVELOPMENTAL DISORDER, X-LINKED 98. Identifiers: Orphanet 85277, MedGen C3806730, MONDO:0010483, OMIM 300912.
NEXMIF-related disorder. Also called: NEXMIF-related condition.

Allele frequency attached by ClinVar (database versions not stated): gnomAD exomes below 0.00001.

Submissions (4):

PreventionGenetics, part of Exact Sciences
Classification: Uncertain significance for NEXMIF-related condition. Last evaluated: 2025-11-12. Review status: criteria provided, single submitter. Criteria: ACMG Guidelines, 2015. Collection method: clinical testing. Allele origin: germline.
Comment: The NEXMIF c.1279G>T variant is predicted to result in the amino acid substitution p.Gly427Cys. To our knowledge, this variant has not been reported in the literature or in a large population database (gnomAD), indicating this variant is rare. At this time, the clinical significance of this variant is uncertain due to the absence of conclusive functional and genetic evidence.

Labcorp Genetics (formerly Invitae), Labcorp
Classification: Uncertain significance. Last evaluated: 2025-04-08. Review status: criteria provided, single submitter. Criteria: Invitae Variant Classification Sherloc (09022015). Collection method: clinical testing. Allele origin: germline.
Comment: This sequence change replaces glycine, which is neutral and non-polar, with cysteine, which is neutral and slightly polar, at codon 427 of the NEXMIF protein (p.Gly427Cys). This variant is not present in population databases (gnomAD no frequency). This variant has not been reported in the literature in individuals affected with NEXMIF-related conditions. ClinVar contains an entry for this variant (Variation ID: 658227). An algorithm developed to predict the effect of missense changes on protein structure and function (PolyPhen-2) suggests that this variant is likely to be disruptive. In summary, the available evidence is currently insufficient to determine the role of this variant in disease. Therefore, it has been classified as a Variant of Uncertain Significance.

Laboratorio de Genetica e Diagnostico Molecular, Hospital Israelita Albert Einstein
Classification: Uncertain significance for X-linked intellectual disability, Cantagrel type. Last evaluated: 2022-03-16. Review status: criteria provided, single submitter. Criteria: ACMG Guidelines, 2015. Collection method: clinical testing. Allele origin: germline. Affected: yes. Observed: 1 variant allele.
Comment: ACMG classification criteria: PM2 moderated, BP4 supporting

GeneDx
Classification: Uncertain significance. Last evaluated: 2021-05-24. Review status: criteria provided, single submitter. Criteria: GeneDx Variant Classification Process June 2021. Collection method: clinical testing. Allele origin: germline. Affected: yes.
Comment: Not observed at significant frequency in large population cohorts (Lek et al., 2016); In silico analysis supports that this missense variant does not alter protein structure/function; Has not been previously published as pathogenic or benign to our knowledge

NM_001008537.3(NEXMIF):c.1279G>T (p.Gly427Cys)

Gene: NEXMIF (neurite extension and migration factor; minus strand). Cytogenetic location: Xq13.3.
Variant type: single nucleotide variant.
Coding change: c.1279G>T on transcript NM_001008537.3 (MANE Select); coding-DNA position 1279, G replaced by T.
Protein change: p.Gly427Cys; replaces glycine 427 with cysteine.
Molecular consequence: missense variant.
Genome position (GRCh38, 1-based): chrX:74,743,278, C>A on the plus strand (G>T on the coding strand, the complement: NEXMIF is on the minus strand). VCF-style: chrX-74743278-C-A. GRCh37 (hg19) VCF-style: chrX-73963113-C-A.
Other names: short protein forms G427C.
Identifiers: ClinVar variation 658227 (VCV000658227.11), dbSNP rs966045847, ClinGen allele CA331301791.